The following is an entry in ClinVar:

ClinVar aggregate classification (germline): Uncertain significance (1 of 4 stars; one submission).

Allele frequency attached by ClinVar (database versions not stated): gnomAD exomes below 0.00001; ExAC 0.00001; gnomAD 0.00002; TOPMed 0.00005.
gnomAD v4.1: 9 of 1,613,400 alleles (0.00056%); highest among the groups gnomAD compares: African/African-American, 0.011%; no homozygotes.

Submission:

Labcorp Genetics (formerly Invitae), Labcorp
Classification: Uncertain significance. Last evaluated: 2022-07-30. Review status: criteria provided, single submitter. Criteria: Invitae Variant Classification Sherloc (09022015). Collection method: clinical testing. Allele origin: germline.
Comment: This sequence change replaces histidine, which is basic and polar, with glutamine, which is neutral and polar, at codon 4040 of the PCLO protein (p.His4040Gln). This variant is present in population databases (rs762649130, gnomAD 0.007%). This variant has not been reported in the literature in individuals affected with PCLO-related conditions. Algorithms developed to predict the effect of missense changes on protein structure and function are either unavailable or do not agree on the potential impact of this missense change (SIFT: "Deleterious"; PolyPhen-2: "Not Available"; Align-GVGD: "Class C0"). In summary, the available evidence is currently insufficient to determine the role of this variant in disease. Therefore, it has been classified as a Variant of Uncertain Significance.

NM_033026.6(PCLO):c.12120C>A (p.His4040Gln)

Gene: PCLO (piccolo presynaptic cytomatrix protein; minus strand). Cytogenetic location: 7q21.11.
Variant type: single nucleotide variant.
Coding change: c.12120C>A on transcript NM_033026.6 (MANE Select); coding-DNA position 12120, C replaced by A.
Protein change: p.His4040Gln; replaces histidine 4040 with glutamine.
Molecular consequence: missense variant.
Genome position (GRCh38, 1-based): chr7:82,915,866, G>T on the plus strand (C>A on the coding strand, the complement: PCLO is on the minus strand). VCF-style: chr7-82915866-G-T. GRCh37 (hg19) VCF-style: chr7-82545182-G-T.
Other names: c.12120C>A, p.His4040Gln (NM_014510.3); short protein forms H4040Q.
Identifiers: ClinVar variation 1931529 (VCV001931529.2), dbSNP rs762649130, ClinGen allele CA4319435.